The following is an entry in ClinVar:

ClinVar aggregate classification (germline): Likely benign (1 of 4 stars; one submission).

Submission:

CeGaT Center for Human Genetics Tuebingen
Classification: Likely benign. Last evaluated: 2025-12-01. Review status: criteria provided, single submitter. Criteria: CeGaT Center For Human Genetics Tuebingen Variant Classification Criteria Version 2. Collection method: clinical testing. Allele origin: germline. Affected: yes. Observed: 2 variant alleles.
Comment: ARHGEF9: PM2:Supporting, BP4, BP7

NM_001353921.2(ARHGEF9):c.669C>A (p.Arg223=)

Gene: ARHGEF9 (Cdc42 guanine nucleotide exchange factor 9; minus strand). Cytogenetic location: Xq11.1.
Variant type: single nucleotide variant.
Coding change: c.669C>A on transcript NM_001353921.2 (MANE Select); coding-DNA position 669, C replaced by A.
Protein change: p.Arg223=; no amino-acid change (arginine 223 retained).
Molecular consequence: synonymous variant.
Genome position (GRCh38, 1-based): chrX:63,678,486, G>T on the plus strand (C>A on the coding strand, the complement: ARHGEF9 is on the minus strand). VCF-style: chrX-63678486-G-T. GRCh37 (hg19) VCF-style: chrX-62898366-G-T.
Other names: c.489C>A, p.Arg163= (NM_001173479.2); c.342C>A, p.Arg114= (NM_001173480.2, NM_001369042.1); c.585C>A, p.Arg195= (NM_001330495.2, NM_001353927.2, NM_001369033.1 and 8 more transcripts); c.669C>A, p.Arg223= (NM_001353922.2); c.687C>A, p.Arg229= (NM_001353923.1); c.468C>A, p.Arg156= (NM_001353924.2, NM_001353926.2, NM_001369039.1 and 1 more transcripts); c.648C>A, p.Arg216= (NM_001353928.2, NM_001369030.1, NM_001369031.1 and 2 more transcripts); c.234C>A, p.Arg78= (NM_001369045.1).
Identifiers: ClinVar variation 4534748 (VCV004534748.6).